The following is an entry in ClinVar:

ClinVar aggregate classification (germline): Pathogenic. Review status: criteria provided, single submitter (1 of 4 stars). 2 submissions from 2 submitters: Pathogenic (1). 1 of the submissions does not count toward it. Last evaluated 2025-10-06.

Conditions:
TTC21B-related disorder. Also called: TTC21B-related disorders; TTC21B-related condition.
Nephronophthisis. Also called: Juvenile Nephronophthisis. Identifiers: Orphanet 655, MedGen C0687120, MONDO:0019005, HP:0000090.
Jeune thoracic dystrophy. Also called: Jeune syndrome; Infantile thoracic dystrophy; Thoracic pelvic phalangeal dystrophy; Jeune's syndrome; Chondroectodermal dysplasia-like syndrome; Short-rib thoracic dysplasia. Identifiers: Orphanet 474, MedGen C0265275, MONDO:0018770.

Submissions (2):

Labcorp Genetics (formerly Invitae), Labcorp
Classification: Pathogenic for Jeune thoracic dystrophy; Nephronophthisis. Last evaluated: 2025-10-06. Review status: criteria provided, single submitter. Criteria: Invitae Variant Classification Sherloc (09022015). Collection method: clinical testing. Allele origin: germline.
Comment: This sequence change creates a premature translational stop signal (p.Lys575Asnfs*9) in the TTC21B gene. It is expected to result in an absent or disrupted protein product. Loss-of-function variants in TTC21B are known to be pathogenic (PMID: 18327258, 21068128, 21258341, 23559409, 24876116, 25492405, 27491411, 29068549). This variant is not present in population databases (gnomAD no frequency). This variant has not been reported in the literature in individuals affected with TTC21B-related conditions. ClinVar contains an entry for this variant (Variation ID: 2423415). Algorithms developed to predict the effect of sequence changes on RNA splicing suggest that this variant may disrupt the consensus splice site. For these reasons, this variant has been classified as Pathogenic.

PreventionGenetics, part of Exact Sciences
Classification: Likely pathogenic for TTC21B-related condition. Last evaluated: 2024-09-01. Review status: no assertion criteria provided. Collection method: clinical testing. Allele origin: germline. Not counted in ClinVar's aggregate classification.
Comment: The TTC21B c.1725_1726delAA variant is predicted to result in a frameshift and premature protein termination (p.Lys575Asnfs*9). To our knowledge, this variant has not been reported in the literature or in a large population database, indicating this variant is rare. Frameshift variants in TTC21B are expected to be pathogenic. This variant is interpreted as likely pathogenic.

Literature cited by the submitters: PubMed 18327258 (cited by Labcorp Genetics (formerly Invitae), Labcorp); PubMed 21068128 (cited by Labcorp Genetics (formerly Invitae), Labcorp); PubMed 21258341 (cited by Labcorp Genetics (formerly Invitae), Labcorp); PubMed 23559409 (cited by Labcorp Genetics (formerly Invitae), Labcorp); PubMed 24876116 (cited by Labcorp Genetics (formerly Invitae), Labcorp); PubMed 25492405 (cited by Labcorp Genetics (formerly Invitae), Labcorp); PubMed 27491411 (cited by Labcorp Genetics (formerly Invitae), Labcorp); PubMed 29068549 (cited by Labcorp Genetics (formerly Invitae), Labcorp).

NM_024753.5(TTC21B):c.1725_1726del (p.Lys575fs)

Gene: TTC21B (tetratricopeptide repeat domain 21B; minus strand). Cytogenetic location: 2q24.3.
Variant type: Deletion.
Coding change: c.1725_1726del on transcript NM_024753.5 (MANE Select); coding-DNA positions 1725 to 1726, 2 bases deleted (AA; older notation c.1725_1726delAA).
Protein change: p.Lys575fs; shifts the reading frame from lysine 575.
Molecular consequence: frameshift variant.
Genome position (GRCh38, 1-based): chr2:165,917,430-165,917,431, TT deleted on the plus strand (AA on the coding strand, the reverse complement: TTC21B is on the minus strand); deleting any 2 consecutive bases within chr2:165,917,430-165,917,433 gives the same sequence; the c. name uses the placement nearest the transcript's 3' end. VCF-style (leftmost placement, unchanged base first): chr2-165917429-ATT-A. GRCh37 (hg19) VCF-style: chr2-166773939-ATT-A.
Other names: c.1725_1726delAA (NM_024753.4); short protein forms K575fs.
Identifiers: ClinVar variation 2423415 (VCV002423415.7), dbSNP rs777508961, ClinGen allele CA2577143834.
Genomic context (GRCh38, chr2:165,917,429, plus strand): 5'-TTCATTCCTGGTAAACTCATTGCCATATGCAGTGTTTTAATTGCGTCTGCTATTTCTCCC[ATT>A]TTCTTTTGTGACTGAGCTTTTATCAAATGGTATAAAGGATAGTCTCTCACCTGAAGAATA-3'